The following is an entry in ClinVar:

ClinVar aggregate classification (germline): Likely benign (1 of 4 stars; one submission).

Conditions:
Familial intrahepatic cholestasis. Identifiers: Orphanet 284385, MedGen CN296401, MONDO:0017290.

gnomAD v4.1: 1 of 1,596,890 alleles (0.000063%); highest among the groups gnomAD compares: Non-Finnish European, 0.000086%; no homozygotes.

Submission:

Genomenon, Inc
Classification: Likely benign for Familial intrahepatic cholestasis. Last evaluated: 2026-04-14. Review status: criteria provided, single submitter. Criteria: Genomenon Sequence Variant Interpretation Standards - Updated. Collection method: curation. Allele origin: germline. Affected: no.
Comment: ATP8B1 c.1819+49T>C is an intronic variant located in intron 16. This variant has been reported in the published literature (PMID:32646411). It is absent or not present at a significant frequency in gnomAD. This intronic variant is not predicted to impact splicing. In conclusion, we classify ATP8B1 c.1819+49T>C as a likely benign variant.

Literature cited by the submitters: PubMed 32646411.

NM_001374385.1(ATP8B1):c.1819+49T>C

Gene: ATP8B1 (ATPase phospholipid transporting 8B1; minus strand). Cytogenetic location: 18q21.31.
Variant type: single nucleotide variant.
Coding change: c.1819+49T>C on transcript NM_001374385.1 (MANE Select); 49 bases into the intron after coding-DNA position 1819, T replaced by C.
Molecular consequence: intron variant.
Genome position (GRCh38, 1-based): chr18:57,674,785, A>G on the plus strand (T>C on the coding strand, the complement: ATP8B1 is on the minus strand). VCF-style: chr18-57674785-A-G. GRCh37 (hg19) VCF-style: chr18-55342017-A-G.
Other names: c.1819+49T>C (NM_005603.6); c.1669+49T>C (NM_001374386.1).
Identifiers: ClinVar variation 4846104 (VCV004846104.1).